The following is an entry in ClinVar:

NM_001134363.3(RBM20):c.858C>A (p.Asn286Lys)

Gene: RBM20 (RNA binding motif protein 20; plus strand). Cytogenetic location: 10q25.2.
Variant type: single nucleotide variant.
Coding change: c.858C>A on transcript NM_001134363.3 (MANE Select); coding-DNA position 858, C replaced by A.
Protein change: p.Asn286Lys; replaces asparagine 286 with lysine.
Molecular consequence: missense variant.
Genome position (GRCh38, 1-based): chr10:110,781,467, C>A. VCF-style: chr10-110781467-C-A. GRCh37 (hg19) VCF-style: chr10-112541225-C-A.
Other names: short protein forms N286K.
Identifiers: ClinVar variation 1047660 (VCV001047660.10), dbSNP rs1339836806, ClinGen allele CA378383928.

ClinVar aggregate classification (germline): Uncertain significance. Review status: criteria provided, multiple submitters, no conflicts (2 of 4 stars). 3 submissions from 3 submitters: Uncertain significance (3). Last evaluated 2025-12-13.

Conditions:
Cardiovascular phenotype. Identifiers: MedGen CN230736.
Dilated cardiomyopathy 1DD (CMD1DD). Identifiers: Orphanet 154, MedGen C2750995, MONDO:0013168, OMIM 613172.

Allele frequency attached by ClinVar (database versions not stated): gnomAD 0.00001; TOPMed 0.00002.

Submissions (3):

Labcorp Genetics (formerly Invitae), Labcorp
Classification: Uncertain significance for Dilated cardiomyopathy 1DD. Last evaluated: 2025-12-13. Review status: criteria provided, single submitter. Criteria: Invitae Variant Classification Sherloc (09022015). Collection method: clinical testing. Allele origin: germline.
Comment: This sequence change replaces asparagine, which is neutral and polar, with lysine, which is basic and polar, at codon 286 of the RBM20 protein (p.Asn286Lys). This variant is present in population databases (no rsID available, gnomAD 0.007%). This variant has not been reported in the literature in individuals affected with RBM20-related conditions. ClinVar contains an entry for this variant (Variation ID: 1047660). Invitae Evidence Modeling of protein sequence and biophysical properties (such as structural, functional, and spatial information, amino acid conservation, physicochemical variation, residue mobility, and thermodynamic stability) indicates that this missense variant is not expected to disrupt RBM20 protein function with a negative predictive value of 95%. In summary, the available evidence is currently insufficient to determine the role of this variant in disease. Therefore, it has been classified as a Variant of Uncertain Significance.

Ambry Genetics
Classification: Uncertain significance for Cardiovascular phenotype. Last evaluated: 2023-06-09. Review status: criteria provided, single submitter. Criteria: Ambry Variant Classification Scheme 2023. Collection method: clinical testing. Allele origin: germline.
Comment: The p.N286K variant (also known as c.858C>A), located in coding exon 2 of the RBM20 gene, results from a C to A substitution at nucleotide position 858. The asparagine at codon 286 is replaced by lysine, an amino acid with similar properties. This amino acid position is not well conserved in available vertebrate species. In addition, this alteration is predicted to be tolerated by in silico analysis. Since supporting evidence is limited at this time, the clinical significance of this alteration remains unclear.

GeneDx
Classification: Uncertain significance. Last evaluated: 2021-04-01. Review status: criteria provided, single submitter. Criteria: GeneDx Variant Classification Process June 2021. Collection method: clinical testing. Allele origin: germline. Affected: yes.
Comment: Has not been previously published as pathogenic or benign to our knowledge; Reported in ClinVar as a variant of uncertain significance (ClinVar Variant ID# 1047660; Landrum et al., 2016); Not observed at a significant frequency in large population cohorts (Lek et al., 2016); In silico analysis supports that this missense variant does not alter protein structure/function